The following is an entry in ClinVar:

NM_205836.3(FBXO38):c.1880A>G (p.Glu627Gly)

Gene: FBXO38 (F-box protein 38; plus strand). Cytogenetic location: 5q32.
Variant type: single nucleotide variant.
Coding change: c.1880A>G on transcript NM_205836.3 (MANE Select); coding-DNA position 1880, A replaced by G.
Protein change: p.Glu627Gly; replaces glutamic acid 627 with glycine.
Molecular consequence: missense variant.
Genome position (GRCh38, 1-based): chr5:148,425,663, A>G. VCF-style: chr5-148425663-A-G. GRCh37 (hg19) VCF-style: chr5-147805226-A-G.
Other names: c.1880A>G, p.Glu627Gly (NM_001271723.2, NM_030793.5); short protein forms E627G.
Identifiers: ClinVar variation 1446325 (VCV001446325.6), dbSNP rs1376821948, ClinGen allele CA361655741.
Genomic context (GRCh38, chr5:148,425,663, plus strand): 5'-TAGAACTCCAAGAAGTCTGGATTCCTAAGAACGGTACTCGGCGTTACTCTGAACGTGAAG[A>G]AAAAACTGGAGAGTCAGTGCAGTCCAGAGAATTGTCAGGTGAGAAATTGTCTTTCTCTGA-3'
Protein context (NP_995308.1, residues 617-637): NGTRRYSERE[Glu627Gly]KTGESVQSRE

ClinVar aggregate classification (germline): Uncertain significance (1 of 4 stars; one submission).

Conditions:
Distal hereditary motor neuropathy type 2. Identifiers: Orphanet 139525, MedGen C3711384, MeSH C580044, MONDO:0015352.

Allele frequency attached by ClinVar (database versions not stated): gnomAD 0.00001; gnomAD exomes 0.00001; TOPMed 0.00001.

Submission:

Labcorp Genetics (formerly Invitae), Labcorp
Classification: Uncertain significance for Distal hereditary motor neuropathy type 2. Last evaluated: 2022-07-26. Review status: criteria provided, single submitter. Criteria: Invitae Variant Classification Sherloc (09022015). Collection method: clinical testing. Allele origin: germline.
Comment: This variant is present in population databases (no rsID available, gnomAD 0.006%). In summary, the available evidence is currently insufficient to determine the role of this variant in disease. Therefore, it has been classified as a Variant of Uncertain Significance. Algorithms developed to predict the effect of missense changes on protein structure and function output the following: SIFT: "Deleterious"; PolyPhen-2: "Benign"; Align-GVGD: "Class C0". The glycine amino acid residue is found in multiple mammalian species, which suggests that this missense change does not adversely affect protein function. ClinVar contains an entry for this variant (Variation ID: 1446325). This variant has not been reported in the literature in individuals affected with FBXO38-related conditions. This sequence change replaces glutamic acid, which is acidic and polar, with glycine, which is neutral and non-polar, at codon 627 of the FBXO38 protein (p.Glu627Gly).